The following is an entry in ClinVar:

NM_001330588.2(TPP2):c.3067G>A (p.Asp1023Asn)

Gene: TPP2 (tripeptidyl peptidase 2; plus strand). Cytogenetic location: 13q33.1.
Variant type: single nucleotide variant.
Coding change: c.3067G>A on transcript NM_001330588.2 (MANE Select); coding-DNA position 3067, G replaced by A.
Protein change: p.Asp1023Asn; replaces aspartic acid 1023 with asparagine.
Molecular consequence: missense variant. On other transcripts: non-coding transcript variant (1).
Genome position (GRCh38, 1-based): chr13:102,657,131, G>A. VCF-style: chr13-102657131-G-A. GRCh37 (hg19) VCF-style: chr13-103309481-G-A.
Other names: c.3028G>A, p.Asp1010Asn (NM_001367947.1, NM_003291.4); short protein forms D1023N, D1010N.
Identifiers: ClinVar variation 3662304 (VCV003662304.2).

ClinVar aggregate classification (germline): Uncertain significance (1 of 4 stars; one submission).

Conditions:
Evans syndrome, immunodeficiency, and premature immunosenescence associated with tripeptidyl-peptidase II deficiency. Identifiers: MedGen CN231723. Disease mechanism: loss of function.

gnomAD v4.1: 2 of 1,588,508 alleles (0.00013%); highest among the groups gnomAD compares: Non-Finnish European, 0.00017%; no homozygotes.

Submission:

Labcorp Genetics (formerly Invitae), Labcorp
Classification: Uncertain significance for Evans syndrome, immunodeficiency, and premature immunosenescence associated with tripeptidyl-peptidase II deficiency. Last evaluated: 2024-08-13. Review status: criteria provided, single submitter. Criteria: Invitae Variant Classification Sherloc (09022015). Collection method: clinical testing. Allele origin: germline.
Comment: This sequence change replaces aspartic acid, which is acidic and polar, with asparagine, which is neutral and polar, at codon 1010 of the TPP2 protein (p.Asp1010Asn). This variant is present in population databases (rs761642992, gnomAD 0.002%). This variant has not been reported in the literature in individuals affected with TPP2-related conditions. An algorithm developed to predict the effect of missense changes on protein structure and function (PolyPhen-2) suggests that this variant is likely to be tolerated. In summary, the available evidence is currently insufficient to determine the role of this variant in disease. Therefore, it has been classified as a Variant of Uncertain Significance.